The following is an entry in ClinVar:

NM_201596.3(CACNB2):c.214-61327A>G

Gene: CACNB2 (calcium voltage-gated channel auxiliary subunit beta 2; plus strand). Cytogenetic location: 10p12.32.
Variant type: single nucleotide variant.
Coding change: c.214-61327A>G on transcript NM_201596.3 (MANE Select); 61327 bases into the intron before coding-DNA position 214, A replaced by G.
Molecular consequence: intron variant.
Genome position (GRCh38, 1-based): chr10:18,340,597, A>G. VCF-style: chr10-18340597-A-G. GRCh37 (hg19) VCF-style: chr10-18629526-A-G.
Other names: c.130-61327A>G (NM_201571.4, NM_001167945.2, NM_201572.4); c.214-61327A>G (NM_201593.3, NM_201597.3); c.49-61327A>G (NM_000724.4, NM_001330060.2).
Identifiers: ClinVar variation 673492 (VCV000673492.3), dbSNP rs114853562, ClinGen allele CA203508429.

ClinVar aggregate classification (germline): Likely benign (1 of 4 stars; one submission).

Allele frequency attached by ClinVar (database versions not stated): gnomAD exomes 0.00029; 1000 Genomes Project 30x 0.00500; gnomAD 0.00354 and 0.00330; 1000 Genomes Project 0.00439; TOPMed 0.00387.
gnomAD v4.1: 740 of 954,038 alleles (0.078%); highest among the groups gnomAD compares: African/African-American, 1.2%; 4 homozygotes.

Submission:

GeneDx
Classification: Likely benign. Last evaluated: 2018-06-16. Review status: criteria provided, single submitter. Criteria: GeneDx Variant Classification (06012015). Collection method: clinical testing. Allele origin: germline. Affected: yes.
Comment: This variant is considered likely benign or benign based on one or more of the following criteria: it is a conservative change, it occurs at a poorly conserved position in the protein, it is predicted to be benign by multiple in silico algorithms, and/or has population frequency not consistent with disease.